The following is an entry in ClinVar:

ClinVar aggregate classification (germline): Uncertain significance. Review status: criteria provided, multiple submitters, no conflicts (2 of 4 stars). 3 submissions from 3 submitters: Uncertain significance (3). Last evaluated 2025-09-16.

Conditions:
CEP290-related disorder. Also called: CEP290-related disorders; CEP290-related condition. Identifiers: MedGen CN239314.

Submissions (3):

PreventionGenetics, part of Exact Sciences
Classification: Uncertain significance for CEP290-related condition. Last evaluated: 2025-09-16. Review status: criteria provided, single submitter. Criteria: ACMG Guidelines, 2015. Collection method: clinical testing. Allele origin: germline.
Comment: The CEP290 c.3191T>C variant is predicted to result in the amino acid substitution p.Met1064Thr. To our knowledge, this variant has not been reported in the literature or in a large population database (gnomAD), indicating this variant is rare. At this time, the clinical significance of this variant is uncertain due to the absence of conclusive functional and genetic evidence.

GeneDx
Classification: Uncertain significance. Last evaluated: 2023-05-31. Review status: criteria provided, single submitter. Criteria: GeneDx Variant Classification Process June 2021. Collection method: clinical testing. Allele origin: germline. Affected: yes.
Comment: Not observed at significant frequency in large population cohorts (gnomAD); In silico analysis supports that this missense variant has a deleterious effect on protein structure/function; Has not been previously published as pathogenic or benign to our knowledge

Blueprint Genetics
Classification: Uncertain significance. Last evaluated: 2022-11-03. Review status: criteria provided, single submitter. Criteria: ACMG Guidelines, 2015. Collection method: clinical testing. Allele origin: germline.

NM_025114.4(CEP290):c.3191T>C (p.Met1064Thr)

Gene: CEP290 (centrosomal protein 290; minus strand). Cytogenetic location: 12q21.32.
Variant type: single nucleotide variant.
Coding change: c.3191T>C on transcript NM_025114.4 (MANE Select); coding-DNA position 3191, T replaced by C.
Protein change: p.Met1064Thr; replaces methionine 1064 with threonine.
Molecular consequence: missense variant.
Genome position (GRCh38, 1-based): chr12:88,093,888, A>G on the plus strand (T>C on the coding strand, the complement: CEP290 is on the minus strand). VCF-style: chr12-88093888-A-G. GRCh37 (hg19) VCF-style: chr12-88487665-A-G.
Other names: short protein forms M1064T.
Identifiers: ClinVar variation 3362176 (VCV003362176.3).